The following is an entry in ClinVar:

NM_001177316.2(SLC34A3):c.516C>G (p.Thr172=)

Gene: SLC34A3 (solute carrier family 34 member 3; plus strand). Cytogenetic location: 9q34.3.
Variant type: single nucleotide variant.
Coding change: c.516C>G on transcript NM_001177316.2 (MANE Select); coding-DNA position 516, C replaced by G.
Protein change: p.Thr172=; no amino-acid change (threonine 172 retained).
Molecular consequence: synonymous variant.
Genome position (GRCh38, 1-based): chr9:137,233,071, C>G. VCF-style: chr9-137233071-C-G. GRCh37 (hg19) VCF-style: chr9-140127523-C-G.
Other names: c.516C>G, p.Thr172= (NM_001177317.2, NM_080877.3).
Identifiers: ClinVar variation 64503 (VCV000064503.3), dbSNP rs387907513, ClinGen allele CA216292.

ClinVar aggregate classification (germline): Uncertain significance (0 of 4 stars; one submission).

Submission:

Martin Pollak Laboratory,  Beth Israel Deaconess Medical Center
Classification: Uncertain significance. Review status: no assertion criteria provided. Collection method: not provided. Allele origin: unknown.
Comment: Higher UCa2+ group
ClinVar note: Converted during submission from unknown to Uncertain significance.